The following is an entry in ClinVar:

ClinVar aggregate classification (germline): Uncertain significance. Review status: criteria provided, multiple submitters, no conflicts (2 of 4 stars). 2 submissions from 2 submitters: Uncertain significance (2). Last evaluated 2024-12-24.

Conditions:
Inborn genetic diseases. Identifiers: MedGen C0950123, MeSH D030342.
Multiple acyl-CoA dehydrogenase deficiency (MADD). Also called: Glutaric aciduria, type 2; Glutaric acidemia type II; GA 2; Glutaric Acidemia type 2; ETHYLMALONIC-ADIPICACIDURIA; GA II. Identifiers: Orphanet 26791, MedGen C0268596, MONDO:0009282, OMIM 231680.

Allele frequency attached by ClinVar (database versions not stated): gnomAD exomes below 0.00001; TOPMed 0.00003.
gnomAD v4.1: 2 of 1,613,016 alleles (0.00012%); highest among the groups gnomAD compares: Admixed American, 0.0033%; no homozygotes.

Submissions (2):

Ambry Genetics
Classification: Uncertain significance for Inborn genetic diseases. Last evaluated: 2024-12-24. Review status: criteria provided, single submitter. Criteria: Ambry Variant Classification Scheme 2023. Collection method: clinical testing. Allele origin: germline.

Labcorp Genetics (formerly Invitae), Labcorp
Classification: Uncertain significance for Multiple acyl-CoA dehydrogenase deficiency. Last evaluated: 2022-04-01. Review status: criteria provided, single submitter. Criteria: Invitae Variant Classification Sherloc (09022015). Collection method: clinical testing. Allele origin: germline.
Comment: This sequence change replaces leucine, which is neutral and non-polar, with proline, which is neutral and non-polar, at codon 88 of the ETFA protein (p.Leu88Pro). This variant is present in population databases (no rsID available, gnomAD no frequency). This variant has not been reported in the literature in individuals affected with ETFA-related conditions. Algorithms developed to predict the effect of missense changes on protein structure and function are either unavailable or do not agree on the potential impact of this missense change (SIFT: "Deleterious"; PolyPhen-2: "Probably Damaging"; Align-GVGD: "Class C0"). In summary, the available evidence is currently insufficient to determine the role of this variant in disease. Therefore, it has been classified as a Variant of Uncertain Significance.

NM_000126.4(ETFA):c.263T>C (p.Leu88Pro)

Gene: ETFA (electron transfer flavoprotein subunit alpha; minus strand). Cytogenetic location: 15q24.2.
Variant type: single nucleotide variant.
Coding change: c.263T>C on transcript NM_000126.4 (MANE Select); coding-DNA position 263, T replaced by C.
Protein change: p.Leu88Pro; replaces leucine 88 with proline.
Molecular consequence: missense variant.
Genome position (GRCh38, 1-based): chr15:76,292,624, A>G on the plus strand (T>C on the coding strand, the complement: ETFA is on the minus strand). VCF-style: chr15-76292624-A-G. GRCh37 (hg19) VCF-style: chr15-76584965-A-G.
Other names: c.263T>C (NM_000126.3); c.116T>C, p.Leu39Pro (NM_001127716.2); short protein forms L39P, L88P.
Identifiers: ClinVar variation 1419380 (VCV001419380.6), dbSNP rs1400343293, ClinGen allele CA393517167.